The following is an entry in ClinVar:

NM_001267550.2(TTN):c.45329A>G (p.Asp15110Gly)

Genes: TTN (titin; minus strand), LOC126806427 (BRD4-independent group 4 enhancer GRCh37_chr2:179485777-179486976; plus strand). Cytogenetic location: 2q31.2.
Variant type: single nucleotide variant.
Coding change: c.45329A>G on transcript NM_001267550.2 (MANE Select); coding-DNA position 45329, A replaced by G.
Protein change: p.Asp15110Gly; replaces aspartic acid 15110 with glycine.
Molecular consequence: missense variant.
Genome position (GRCh38, 1-based): chr2:178,621,495, T>C on the plus strand (A>G on the coding strand, the complement: TTN is on the minus strand). VCF-style: chr2-178621495-T-C. GRCh37 (hg19) VCF-style: chr2-179486222-T-C.
Other names: p.D13469G:GAT>GGT; c.40406A>G, p.Asp13469Gly (NM_001256850.1); c.18134A>G, p.Asp6045Gly (NM_003319.4); c.37625A>G, p.Asp12542Gly (NM_133378.4); c.18509A>G, p.Asp6170Gly (NM_133432.3); c.18710A>G, p.Asp6237Gly (NM_133437.4); short protein forms D13469G, D15110G, D12542G, D6045G, D6170G, D6237G.
Identifiers: ClinVar variation 202642 (VCV000202642.2), dbSNP rs794729436, ClinGen allele CA309844.

ClinVar aggregate classification (germline): Uncertain significance (1 of 4 stars; one submission).

Submission:

GeneDx
Classification: Uncertain significance. Last evaluated: 2014-04-23. Review status: criteria provided, single submitter. Criteria: GeneDx Variant Classification (06012015). Collection method: clinical testing. Allele origin: germline. Affected: yes.
Comment: Missense variants in the TTN gene are considered 'unclassified' if they are not previously reported in the literature and do not have >1% frequency in the population to be considered a polymorphism. Research indicates that truncating mutations in the TTN gene are expected to account for approximately 25% of familial and 18% of sporadic idiopathic DCM; however, truncating variants in the TTN gene have been reported in approximately 3% of reported control alleles. There has been little investigation into non-truncating variants. (Herman D et al. Truncations of titin causing dilated cardiomyopathy. N Eng J Med 366:619-628, 2012) The variant is found in CARDIOMYOPATHY panel(s).